The following is an entry in ClinVar:

ClinVar aggregate classification (germline): Likely benign. Review status: criteria provided, multiple submitters, no conflicts (2 of 4 stars). 2 submissions from 2 submitters: Likely benign (2). Last evaluated 2025-05-29.

Conditions:
Left ventricular noncompaction 1 (LVNC1). Also called: LEFT VENTRICULAR NONCOMPACTION 1 WITH OR WITHOUT CONGENITAL HEART DEFECTS. Identifiers: Orphanet 54260, MedGen C1858725, MONDO:0011403, OMIM 604169.

Allele frequency attached by ClinVar (database versions not stated): gnomAD exomes below 0.00001; gnomAD 0.00001; TOPMed 0.00001.
gnomAD v4.1: 3 of 1,611,754 alleles (0.00019%); highest among the groups gnomAD compares: Non-Finnish European, 0.00025%; no homozygotes.

Submissions (2):

Labcorp Genetics (formerly Invitae), Labcorp
Classification: Likely benign for Left ventricular noncompaction 1. Last evaluated: 2025-05-29. Review status: criteria provided, single submitter. Criteria: Invitae Variant Classification Sherloc (09022015). Collection method: clinical testing. Allele origin: germline.

Laboratory for Molecular Medicine, Mass General Brigham Personalized Medicine
Classification: Likely benign. Last evaluated: 2016-03-18. Review status: criteria provided, single submitter. Criteria: LMM Criteria. Collection method: clinical testing. Allele origin: germline. Observed: 1 variant allele.
Comment: c.67+12T>A in intron 3 of DTNA: This variant is not expected to have clinical si gnificance because it is not located within the splice consensus sequence.

NM_001386795.1(DTNA):c.67+12T>A

Genes: DTNA (dystrobrevin alpha; plus strand), DTNA-AS1 (DTNA antisense RNA 1; minus strand). Cytogenetic location: 18q12.1.
Variant type: single nucleotide variant.
Coding change: c.67+12T>A on transcript NM_001386795.1 (MANE Select); 12 bases into the intron after coding-DNA position 67, T replaced by A.
Molecular consequence: intron variant.
Genome position (GRCh38, 1-based): chr18:34,756,055, T>A. VCF-style: chr18-34756055-T-A. GRCh37 (hg19) VCF-style: chr18-32336019-T-A.
Other names: c.67+12T>A (NM_001391.5, NM_032975.4, NM_001386761.1 and 35 more transcripts).
Identifiers: ClinVar variation 227348 (VCV000227348.5), dbSNP rs876657460, ClinGen allele CA10577062.